The following is an entry in ClinVar:

NM_016333.4(SRRM2):c.3006A>T (p.Gln1002His)

Gene: SRRM2 (serine/arginine repetitive matrix 2; plus strand). Cytogenetic location: 16p13.3.
Variant type: single nucleotide variant.
Coding change: c.3006A>T on transcript NM_016333.4 (MANE Select); coding-DNA position 3006, A replaced by T.
Protein change: p.Gln1002His; replaces glutamine 1002 with histidine.
Molecular consequence: missense variant.
Genome position (GRCh38, 1-based): chr16:2,763,534, A>T. VCF-style: chr16-2763534-A-T. GRCh37 (hg19) VCF-style: chr16-2813535-A-T.
Other names: short protein forms Q1002H.
Identifiers: ClinVar variation 3360249 (VCV003360249.1).
Genomic context (GRCh38, chr16:2,763,534, plus strand): 5'-AACACCGCCAAGACAAAGTCACTCAGGGTCTATTTCACCATACCCCAAAGTAAAGGCCCA[A>T]ACTCCACCGGGGCCAAGTCTTTCTGGATCAAAGTCACCATGTCCCCAAGAGAAGTCTAAA-3'
Protein context (NP_057417.3, residues 992-1012): SISPYPKVKA[Gln1002His]TPPGPSLSGS

ClinVar aggregate classification (germline): Uncertain significance (1 of 4 stars; one submission).

Submission:

GeneDx
Classification: Uncertain significance. Last evaluated: 2023-06-23. Review status: criteria provided, single submitter. Criteria: GeneDx Variant Classification Process June 2021. Collection method: clinical testing. Allele origin: germline. Affected: yes.
Comment: Not observed at significant frequency in large population cohorts (gnomAD); In silico analysis supports that this missense variant does not alter protein structure/function; Has not been previously published as pathogenic or benign to our knowledge